The following is an entry in ClinVar:

NM_000843.4(GRM6):c.780C>G (p.Phe260Leu)

Gene: GRM6 (glutamate metabotropic receptor 6; minus strand). Cytogenetic location: 5q35.3.
Variant type: single nucleotide variant.
Coding change: c.780C>G on transcript NM_000843.4 (MANE Select); coding-DNA position 780, C replaced by G.
Protein change: p.Phe260Leu; replaces phenylalanine 260 with leucine.
Molecular consequence: missense variant.
Genome position (GRCh38, 1-based): chr5:178,991,501, G>C on the plus strand (C>G on the coding strand, the complement: GRM6 is on the minus strand). VCF-style: chr5-178991501-G-C. GRCh37 (hg19) VCF-style: chr5-178418502-G-C.
Other names: short protein forms F260L.
Identifiers: ClinVar variation 1046884 (VCV001046884.7), dbSNP rs201450433, ClinGen allele CA3594351.

ClinVar aggregate classification (germline): Uncertain significance. Review status: criteria provided, multiple submitters, no conflicts (2 of 4 stars). 3 submissions from 3 submitters: Uncertain significance (3). Last evaluated 2024-06-10.

Allele frequency attached by ClinVar (database versions not stated): gnomAD 0.00005 and 0.00006; TOPMed 0.00005; ExAC 0.00006; ESP Exome Variant Server 0.00015; 1000 Genomes Project 0.00020; 1000 Genomes Project 30x 0.00031.

Submissions (3):

Blueprint Genetics
Classification: Uncertain significance. Last evaluated: 2024-06-10. Review status: criteria provided, single submitter. Criteria: ACMG Guidelines, 2015. Collection method: clinical testing. Allele origin: germline.

Labcorp Genetics (formerly Invitae), Labcorp
Classification: Uncertain significance. Last evaluated: 2022-06-22. Review status: criteria provided, single submitter. Criteria: Invitae Variant Classification Sherloc (09022015). Collection method: clinical testing. Allele origin: germline.
Comment: This sequence change replaces phenylalanine, which is neutral and non-polar, with leucine, which is neutral and non-polar, at codon 260 of the GRM6 protein (p.Phe260Leu). This variant is present in population databases (rs201450433, gnomAD 0.01%). This variant has not been reported in the literature in individuals affected with GRM6-related conditions. ClinVar contains an entry for this variant (Variation ID: 1046884). Advanced modeling of protein sequence and biophysical properties (such as structural, functional, and spatial information, amino acid conservation, physicochemical variation, residue mobility, and thermodynamic stability) performed at Invitae indicates that this missense variant is not expected to disrupt GRM6 protein function. In summary, the available evidence is currently insufficient to determine the role of this variant in disease. Therefore, it has been classified as a Variant of Uncertain Significance.

Breakthrough Genomics
Classification: Uncertain significance. Review status: criteria provided, single submitter. Criteria: ACMG Guidelines, 2015. Collection method: not provided. Allele origin: germline. Inheritance: Autosomal recessive inheritance. Affected: yes.